The following is an entry in ClinVar:

NM_004415.4(DSP):c.8085C>A (p.Phe2695Leu)

Gene: DSP (desmoplakin; plus strand). Cytogenetic location: 6p24.3.
Variant type: single nucleotide variant.
Coding change: c.8085C>A on transcript NM_004415.4 (MANE Select); coding-DNA position 8085, C replaced by A.
Protein change: p.Phe2695Leu; replaces phenylalanine 2695 with leucine.
Molecular consequence: missense variant.
Genome position (GRCh38, 1-based): chr6:7,585,347, C>A. VCF-style: chr6-7585347-C-A. GRCh37 (hg19) VCF-style: chr6-7585580-C-A.
Other names: c.6288C>A, p.Phe2096Leu (NM_001008844.3); c.6756C>A, p.Phe2252Leu (NM_001319034.2); short protein forms F2695L, F2252L, F2096L.
Identifiers: ClinVar variation 926573 (VCV000926573.9), dbSNP rs1759617585, ClinGen allele CA362694402.

ClinVar aggregate classification (germline): Uncertain significance. Review status: criteria provided, multiple submitters, no conflicts (2 of 4 stars). 3 submissions from 3 submitters: Uncertain significance (3). Last evaluated 2024-10-16.

Conditions:
Arrhythmogenic right ventricular dysplasia 8 (ARVD8). Also called: Arrhythmogenic Right Ventricular Dysplasia/Cardiomyopathy 8; ARRHYTHMOGENIC RIGHT VENTRICULAR DYSPLASIA, FAMILIAL, 8; ARRHYTHMOGENIC RIGHT VENTRICULAR CARDIOMYOPATHY 8. Identifiers: MedGen C1843896, MONDO:0011831, OMIM 607450.
Arrhythmogenic cardiomyopathy with wooly hair and keratoderma. Also called: PALMOPLANTAR KERATODERMA WITH LEFT VENTRICULAR CARDIOMYOPATHY AND WOOLLY HAIR; Carvajal syndrome; Dilated cardiomyopathy with woolly hair and keratoderma; Arrhythmogenic cardiomyopathy with woolly hair and keratoderma. Identifiers: Orphanet 65282, MedGen C1854063, MONDO:0011581, OMIM 605676.
Cardiomyopathy (CMYO). Also called: Cardiomyopathies. Identifiers: Orphanet 167848, MedGen C0878544, MONDO:0004994, HP:0001638. Inheritance: Various modes of inheritance.

Allele frequency attached by ClinVar (database versions not stated): gnomAD exomes below 0.00001.
gnomAD v4.1: 2 of 1,614,136 alleles (0.00012%); highest among the groups gnomAD compares: Non-Finnish European, 0.00017%; no homozygotes.

Submissions (3):

Labcorp Genetics (formerly Invitae), Labcorp
Classification: Uncertain significance for Arrhythmogenic cardiomyopathy with wooly hair and keratoderma; Arrhythmogenic right ventricular dysplasia 8. Last evaluated: 2024-10-16. Review status: criteria provided, single submitter. Criteria: Invitae Variant Classification Sherloc (09022015). Collection method: clinical testing. Allele origin: germline.
Comment: This sequence change replaces phenylalanine, which is neutral and non-polar, with leucine, which is neutral and non-polar, at codon 2695 of the DSP protein (p.Phe2695Leu). This variant is not present in population databases (gnomAD no frequency). This variant has not been reported in the literature in individuals affected with DSP-related conditions. ClinVar contains an entry for this variant (Variation ID: 926573). An algorithm developed to predict the effect of missense changes on protein structure and function (PolyPhen-2) suggests that this variant is likely to be tolerated. In summary, the available evidence is currently insufficient to determine the role of this variant in disease. Therefore, it has been classified as a Variant of Uncertain Significance.

Color Diagnostics, LLC DBA Color Health
Classification: Uncertain significance for Cardiomyopathy. Last evaluated: 2024-03-07. Review status: criteria provided, single submitter. Criteria: ACMG Guidelines, 2015. Collection method: clinical testing. Allele origin: germline.
Comment: This missense variant replaces phenylalanine with leucine at codon 2695 of the DSP protein. Computational prediction suggests that this variant may not impact protein structure and function (internally defined REVEL score threshold <= 0.5, PMID: 27666373). To our knowledge, functional studies have not been reported for this variant. This variant has not been reported in individuals affected with DSP-related disorders in the literature. This variant has not been identified in the general population by the Genome Aggregation Database (gnomAD). The available evidence is insufficient to determine the role of this variant in disease conclusively. Therefore, this variant is classified as a Variant of Uncertain Significance.

All of Us Research Program, National Institutes of Health
Classification: Uncertain significance for Arrhythmogenic cardiomyopathy with wooly hair and keratoderma. Last evaluated: 2023-10-30. Review status: criteria provided, single submitter. Criteria: ACMG Guidelines, 2015. Collection method: clinical testing. Allele origin: germline. Inheritance: Autosomal dominant inheritance. Observed: 2 variant alleles, 2 heterozygotes.
Comment: This missense variant replaces phenylalanine with leucine at codon 2695 of the DSP protein. Computational prediction suggests that this variant may not impact protein structure and function (internally defined REVEL score threshold <= 0.5, PMID: 27666373). To our knowledge, functional studies have not been reported for this variant. This variant has not been reported in individuals affected with DSP-related disorders in the literature. This variant has not been identified in the general population by the Genome Aggregation Database (gnomAD). The available evidence is insufficient to determine the role of this variant in disease conclusively. Therefore, this variant is classified as a Variant of Uncertain Significance.

This study involves interpretation of variants in research participants for the purpose of population health screening. Participant phenotype was not available at the time of variant classification. Additional details can be found in publication PMID: 35346344, PMCID: PMC8962531